The following is an entry in ClinVar:

NM_001134363.3(RBM20):c.743C>T (p.Pro248Leu)

Gene: RBM20 (RNA binding motif protein 20; plus strand). Cytogenetic location: 10q25.2.
Variant type: single nucleotide variant.
Coding change: c.743C>T on transcript NM_001134363.3 (MANE Select); coding-DNA position 743, C replaced by T.
Protein change: p.Pro248Leu; replaces proline 248 with leucine.
Molecular consequence: missense variant.
Genome position (GRCh38, 1-based): chr10:110,781,352, C>T. VCF-style: chr10-110781352-C-T. GRCh37 (hg19) VCF-style: chr10-112541110-C-T.
Other names: short protein forms P248L.
Identifiers: ClinVar variation 1758920 (VCV001758920.7), dbSNP rs1025263475, ClinGen allele CA213234856.

ClinVar aggregate classification (germline): Uncertain significance. Review status: criteria provided, multiple submitters, no conflicts (2 of 4 stars). 2 submissions from 2 submitters: Uncertain significance (2). Last evaluated 2025-05-19.

Conditions:
Dilated cardiomyopathy 1DD (CMD1DD). Identifiers: Orphanet 154, MedGen C2750995, MONDO:0013168, OMIM 613172.
Cardiovascular phenotype. Identifiers: MedGen CN230736.

Allele frequency attached by ClinVar (database versions not stated): gnomAD 0.00001; TOPMed 0.00001.
gnomAD v4.1: 2 of 1,551,628 alleles (0.00013%); highest among the groups gnomAD compares: African/African-American, 0.0027%; no homozygotes.

Submissions (2):

Labcorp Genetics (formerly Invitae), Labcorp
Classification: Uncertain significance for Dilated cardiomyopathy 1DD. Last evaluated: 2025-05-19. Review status: criteria provided, single submitter. Criteria: Invitae Variant Classification Sherloc (09022015). Collection method: clinical testing. Allele origin: germline.
Comment: This sequence change replaces proline, which is neutral and non-polar, with leucine, which is neutral and non-polar, at codon 248 of the RBM20 protein (p.Pro248Leu). This variant is not present in population databases (gnomAD no frequency). This variant has not been reported in the literature in individuals affected with RBM20-related conditions. ClinVar contains an entry for this variant (Variation ID: 1758920). Invitae Evidence Modeling of protein sequence and biophysical properties (such as structural, functional, and spatial information, amino acid conservation, physicochemical variation, residue mobility, and thermodynamic stability) indicates that this missense variant is not expected to disrupt RBM20 protein function with a negative predictive value of 95%. In summary, the available evidence is currently insufficient to determine the role of this variant in disease. Therefore, it has been classified as a Variant of Uncertain Significance.

Ambry Genetics
Classification: Uncertain significance for Cardiovascular phenotype. Last evaluated: 2021-10-29. Review status: criteria provided, single submitter. Criteria: Ambry Variant Classification Scheme 2023. Collection method: clinical testing. Allele origin: germline.
Comment: The p.P248L variant (also known as c.743C>T), located in coding exon 2 of the RBM20 gene, results from a C to T substitution at nucleotide position 743. The proline at codon 248 is replaced by leucine, an amino acid with similar properties. This amino acid position is conserved. In addition, this alteration is predicted to be tolerated by in silico analysis. Since supporting evidence is limited at this time, the clinical significance of this alteration remains unclear.